The following is an entry in ClinVar:

NM_000944.5(PPP3CA):c.521T>C (p.Val174Ala)

Gene: PPP3CA (protein phosphatase 3 catalytic subunit alpha; minus strand). Cytogenetic location: 4q24.
Variant type: single nucleotide variant.
Coding change: c.521T>C on transcript NM_000944.5 (MANE Select); coding-DNA position 521, T replaced by C.
Protein change: p.Val174Ala; replaces valine 174 with alanine.
Molecular consequence: missense variant.
Genome position (GRCh38, 1-based): chr4:101,098,488, A>G on the plus strand (T>C on the coding strand, the complement: PPP3CA is on the minus strand). VCF-style: chr4-101098488-A-G. GRCh37 (hg19) VCF-style: chr4-102019645-A-G.
Other names: c.521T>C, p.Val174Ala (NM_001130691.2, NM_001130692.2); short protein forms V174A.
Identifiers: ClinVar variation 1704787 (VCV001704787.2), dbSNP rs1730298569, ClinGen allele CA357950056.

ClinVar aggregate classification (germline): Uncertain significance (1 of 4 stars; one submission).

Allele frequency attached by ClinVar (database versions not stated): gnomAD exomes below 0.00001; TOPMed below 0.00001.
gnomAD v4.1: 1 of 1,609,346 alleles (0.000062%); highest among the groups gnomAD compares: Admixed American, 0.0017%; no homozygotes.

Submission:

GeneDx
Classification: Uncertain significance. Last evaluated: 2022-03-07. Review status: criteria provided, single submitter. Criteria: GeneDx Variant Classification Process June 2021. Collection method: clinical testing. Allele origin: germline. Affected: yes.
Comment: Has not been previously published as pathogenic or benign to our knowledge; Not observed at significant frequency in large population cohorts (gnomAD); In silico analysis supports that this missense variant has a deleterious effect on protein structure/function